The following is an entry in ClinVar:

NM_000540.3(RYR1):c.4686G>T (p.Gln1562His)

Gene: RYR1 (ryanodine receptor 1; plus strand). Cytogenetic location: 19q13.2.
Variant type: single nucleotide variant.
Coding change: c.4686G>T on transcript NM_000540.3 (MANE Select); coding-DNA position 4686, G replaced by T.
Protein change: p.Gln1562His; replaces glutamine 1562 with histidine.
Molecular consequence: missense variant.
Genome position (GRCh38, 1-based): chr19:38,483,092, G>T. VCF-style: chr19-38483092-G-T. GRCh37 (hg19) VCF-style: chr19-38973732-G-T.
Other names: c.4686G>T, p.Gln1562His (NM_001042723.2); short protein forms Q1562H.
Identifiers: ClinVar variation 3074449 (VCV003074449.1), dbSNP rs2514211104, ClinGen allele CA405649530.

ClinVar aggregate classification (germline): Uncertain significance (1 of 4 stars; one submission).

Conditions:
Malignant hyperthermia, susceptibility to, 1 (MHS1). Also called: Anesthesia related hyperthermia; Malignant hyperpyrexia; Fulminating hyperpyrexia; Pharmacogenic myopathy; RYR1-Related Malignant Hyperthermia Susceptibility; Malignant hyperthermia suceptibility 1. Identifiers: Orphanet 423, MedGen C2930980, MONDO:0007783, OMIM 145600.

Submission:

All of Us Research Program, National Institutes of Health
Classification: Uncertain significance for Malignant hyperthermia, susceptibility to, 1. Last evaluated: 2023-11-20. Review status: criteria provided, single submitter. Criteria: ACMG Guidelines, 2015. Collection method: clinical testing. Allele origin: germline. Inheritance: Autosomal dominant inheritance. Observed: 1 variant allele, 1 heterozygote.
Comment: This missense variant replaces glutamine with histidine at codon 1562 of the RYR1 protein. Computational prediction is inconclusive regarding the impact of this variant on protein structure and function (internally defined REVEL score threshold 0.5 < inconclusive < 0.7, PMID: 27666373). To our knowledge, functional studies have not been reported for this variant. This variant has not been reported in individuals affected with RYR1-related disorders in the literature. This variant has not been identified in the general population by the Genome Aggregation Database (gnomAD). The available evidence is insufficient to determine the role of this variant in disease conclusively. Therefore, this variant is classified as a Variant of Uncertain Significance.

This study involves interpretation of variants in research participants for the purpose of population health screening. Participant phenotype was not available at the time of variant classification. Additional details can be found in publication PMID: 35346344, PMCID: PMC8962531